The following is an entry in ClinVar:

NM_000179.3(MSH6):c.1917G>A (p.Glu639=)

Gene: MSH6 (mutS homolog 6; plus strand). Cytogenetic location: 2p16.3.
Variant type: single nucleotide variant.
Coding change: c.1917G>A on transcript NM_000179.3 (MANE Select); coding-DNA position 1917, G replaced by A.
Protein change: p.Glu639=; no amino-acid change (glutamic acid 639 retained).
Molecular consequence: synonymous variant.
Genome position (GRCh38, 1-based): chr2:47,799,900, G>A. VCF-style: chr2-47799900-G-A. GRCh37 (hg19) VCF-style: chr2-48027039-G-A.
Other names: c.1527G>A, p.Glu509= (NM_001281492.2); c.1011G>A, p.Glu337= (NM_001281493.2, NM_001281494.2).
Identifiers: ClinVar variation 183801 (VCV000183801.26), dbSNP rs368059229, ClinGen allele CA009450.

ClinVar aggregate classification (germline): Benign/Likely benign. Review status: criteria provided, multiple submitters, no conflicts (2 of 4 stars). 11 submissions from 11 submitters: Benign (2); Likely benign (9). Last evaluated 2026-09-01.

Conditions:
Hereditary nonpolyposis colorectal neoplasms. Identifiers: MedGen C0009405, MeSH D003123.
Hereditary cancer-predisposing syndrome. Also called: Hereditary neoplastic syndrome; Tumor predisposition; Neoplastic Syndromes, Hereditary; Hereditary Cancer Syndrome. Identifiers: Orphanet 140162, MedGen C0027672, MeSH D009386, MONDO:0015356.
Lynch syndrome. Identifiers: Orphanet 144, MedGen C4552100, MONDO:0005835. Disease mechanism: loss of function.
Lynch syndrome 5 (LYNCH5). Also called: Hereditary non-polyposis colorectal cancer, type 5; Colorectal cancer, hereditary nonpolyposis, type 5. Identifiers: Orphanet 144, MedGen C1833477, MONDO:0013710, OMIM 614350. Disease mechanism: loss of function.

Allele frequency attached by ClinVar (database versions not stated): gnomAD 0.00003; gnomAD exomes 0.00003 and 0.00005; TOPMed 0.00003; ExAC 0.00006; ESP Exome Variant Server 0.00008.
gnomAD v4.1: 48 of 1,614,062 alleles (0.003%); highest among the groups gnomAD compares: East Asian, 0.089%; no homozygotes.

Submissions (11):

CeGaT Center for Human Genetics Tuebingen
Classification: Likely benign. Last evaluated: 2026-09-01. Review status: criteria provided, single submitter. Criteria: CeGaT Center For Human Genetics Tuebingen Variant Classification Criteria Version 2. Collection method: clinical testing. Allele origin: germline. Affected: yes. Observed: 1 variant allele.
Comment: MSH6: BP4, BP7

Labcorp Genetics (formerly Invitae), Labcorp
Classification: Likely benign for Hereditary nonpolyposis colorectal neoplasms. Last evaluated: 2026-01-11. Review status: criteria provided, single submitter. Criteria: Invitae Variant Classification Sherloc (09022015). Collection method: clinical testing. Allele origin: germline.

Institute for Biomarker Research, Medical Diagnostic Laboratories, L.L.C.
Classification: Likely benign for Hereditary cancer-predisposing syndrome. Last evaluated: 2025-01-15. Review status: criteria provided, single submitter. Criteria: ACMG Guidelines, 2015. Collection method: clinical testing. Allele origin: germline.
Comment: The synonymous variant NM_000179.3(MSH6):c.1917G>A (p.Glu639=) has been reported to ClinVar as Benign/Likely benign with a status of (2 stars) criteria provided, multiple submitters, no conflicts (Variation ID 183801 as of 2025-01-02). The p.Glu639= variant is not predicted to disrupt an existing splice site. The p.Glu639= variant is predicted to introduce a novel splice site by 1 of 4 splice site algorithms. The p.Glu639= variant results in a substitution of a base that is not predicted conserved by GERP++ and PhyloP. For these reasons, this variant has been classified as Likely Benign.

Myriad Genetics, Inc.
Classification: Benign for Lynch syndrome 5. Last evaluated: 2024-12-30. Review status: criteria provided, single submitter. Criteria: Myriad Autosomal Dominant, Autosomal Recessive and X-Linked Classification Criteria (2023). Collection method: clinical testing. Allele origin: unknown.
Comment: This variant is considered benign. This variant is a silent/synonymous amino acid change and it is not expected to impact splicing.

All of Us Research Program, National Institutes of Health
Classification: Likely benign for Lynch syndrome. Last evaluated: 2024-05-14. Review status: criteria provided, single submitter. Criteria: ACMG Guidelines, 2015. Collection method: clinical testing. Allele origin: germline. Inheritance: Autosomal dominant inheritance. Observed: 2 variant alleles, 2 heterozygotes.
Comment: This study involves interpretation of variants in research participants for the purpose of population health screening. Participant phenotype was not available at the time of variant classification. Additional details can be found in publication PMID: 35346344, PMCID: PMC8962531

Department of Pathology and Laboratory Medicine, Sinai Health System
Classification: Likely benign for Lynch syndrome. Last evaluated: 2023-03-09. Review status: criteria provided, single submitter. Criteria: ACMG Guidelines, 2015. Collection method: clinical testing. Allele origin: germline. Affected: yes.

Quest Diagnostics Nichols Institute San Juan Capistrano
Classification: Likely benign. Last evaluated: 2018-10-25. Review status: criteria provided, single submitter. Criteria: Quest Diagnostics criteria. Collection method: clinical testing. Allele origin: germline.

Color Diagnostics, LLC DBA Color Health
Classification: Likely benign for Hereditary cancer-predisposing syndrome. Last evaluated: 2017-08-30. Review status: criteria provided, single submitter. Criteria: ACMG Guidelines, 2015. Collection method: clinical testing. Allele origin: germline.

Women's Health and Genetics/Laboratory Corporation of America, LabCorp
Classification: Likely benign. Last evaluated: 2016-04-01. Review status: criteria provided, single submitter. Criteria: LabCorp Variant Classification Summary - May 2015. Collection method: clinical testing. Allele origin: germline.
Comment: Variant summary: The MSH6 c.1917G>A variant affects a non-conserved nucleotide, resulting in no amino acid change. One in-silico tool predicts damaging outcome for this variant, and 2/5 Alamut algorithms predict a change in a cryptic splice acceptor site. This variant was found in 7/120720 control chromosomes at a frequency of 0.000058, which does not significantly exceed maximal expected frequency of a pathogenic MSH6 allele (0.0001421). However, the variant was predominantly found in East Asians, at an allele frequency of 0.0006935, which is significantly greater than the maximal expected allele frequency, suggesting this may be a benign polymorphism in East Asians. In addition, several clinical laboratories classified this variant as likely benign without evidence to independently evaluate. The variant of interest has not, to our knowledge, been reported in affected individuals via publications, nor evaluated for functional impact by in vivo/vitro studies. Taken together, this variant was classified as likely benign until additional information is available.

GeneDx
Classification: Benign. Last evaluated: 2015-03-31. Review status: criteria provided, single submitter. Criteria: GeneDx Variant Classification (06012015). Collection method: clinical testing. Allele origin: germline. Affected: yes.
Comment: This variant is considered likely benign or benign based on one or more of the following criteria: it is a conservative change, it occurs at a poorly conserved position in the protein, it is predicted to be benign by multiple in silico algorithms, and/or has population frequency not consistent with disease.

Ambry Genetics
Classification: Likely benign for Hereditary cancer-predisposing syndrome. Last evaluated: 2015-03-03. Review status: criteria provided, single submitter. Criteria: Ambry Variant Classification Scheme 2023. Collection method: clinical testing. Allele origin: germline.